The following is an entry in ClinVar:

ClinVar aggregate classification (germline): Likely pathogenic. Review status: criteria provided, multiple submitters, no conflicts (2 of 4 stars). 2 submissions from 2 submitters: Likely pathogenic (2). Last evaluated 2022-04-09.

Conditions:
Dilated cardiomyopathy 1G (CMD1G). Identifiers: Orphanet 154, MedGen C1858763, MONDO:0011400, OMIM 604145.
Autosomal recessive limb-girdle muscular dystrophy type 2J (LGMDR10). Also called: MUSCULAR DYSTROPHY, LIMB-GIRDLE, AUTOSOMAL RECESSIVE 10; Limb-girdle muscular dystrophy, type 2J. Identifiers: Orphanet 140922, MedGen C1837342, MONDO:0012127, OMIM 608807.
Hypertrophic cardiomyopathy 9. Also called: Familial hypertrophic cardiomyopathy 9. Identifiers: MedGen C1861065, MONDO:0013412, OMIM 613765.
Tibial muscular dystrophy (TMD). Also called: Udd Distal Myopathy – Tibial Muscular Dystrophy; Tibial muscular dystrophy, tardive; UDD MYOPATHY. Identifiers: Orphanet 609, MedGen C1838244, MONDO:0010870, OMIM 600334.
Myopathy, myofibrillar, 9, with early respiratory failure (MFM9). Also called: EDSTROM MYOPATHY; MYOPATHY, PROXIMAL, WITH EARLY RESPIRATORY MUSCLE INVOLVEMENT; Myopathy, distal, with early respiratory failure, autosomal dominant; Hereditary myopathy with early respiratory failure. Identifiers: Orphanet 178464, Orphanet 34521, MedGen C1863599, MONDO:0011362, OMIM 603689.
Early-onset myopathy with fatal cardiomyopathy (CMYO5). Also called: CONGENITAL MYOPATHY 5 WITH CARDIOMYOPATHY; Salih Myopathy. Identifiers: Orphanet 289377, MedGen C2673677, MONDO:0012714, OMIM 611705. Disease mechanism: loss of function.

Submissions (2):

Labcorp Genetics (formerly Invitae), Labcorp
Classification: Likely pathogenic for Dilated cardiomyopathy 1G; Autosomal recessive limb-girdle muscular dystrophy type 2J. Last evaluated: 2022-04-09. Review status: criteria provided, single submitter. Criteria: Invitae Variant Classification Sherloc (09022015). Collection method: clinical testing. Allele origin: germline.
Comment: This variant is located in the A band of TTN (PMID: 25589632). Truncating variants in this region are significantly overrepresented in patients affected with dilated cardiomyopathy (PMID: 25589632). Truncating variants in this region have also been reported in individuals affected with autosomal recessive centronuclear myopathy (PMID: 23975875). In summary, the currently available evidence indicates that the variant is pathogenic, but additional data are needed to prove that conclusively. Therefore, this variant has been classified as Likely Pathogenic. This premature translational stop signal has been observed in individual(s) with dilated cardiomyopathy (Invitae). This variant is not present in population databases (gnomAD no frequency). This sequence change creates a premature translational stop signal (p.Lys30932Argfs*79) in the TTN gene. While this is not anticipated to result in nonsense mediated decay, it is expected to create a truncated TTN protein.

Juno Genomics, Hangzhou Juno Genomics, Inc
Classification: Likely pathogenic for Hypertrophic cardiomyopathy 9; Myopathy, myofibrillar, 9, with early respiratory failure; Tibial muscular dystrophy; Early-onset myopathy with fatal cardiomyopathy; Dilated cardiomyopathy 1G; Autosomal recessive limb-girdle muscular dystrophy type 2J. Review status: criteria provided, single submitter. Criteria: ACMG Guidelines, 2015. Collection method: clinical testing. Allele origin: germline.
Comment: Null variant in a gene where loss of function (LOF) is a known mechanism of disease.;Absent from controls (or at extremely low frequency if recessive) in Genome Aggregation Database.

Literature cited by the submitters: PubMed 25589632 (cited by Labcorp Genetics (formerly Invitae), Labcorp); PubMed 23975875 (cited by Labcorp Genetics (formerly Invitae), Labcorp).

NM_001267550.2(TTN):c.92795_92798del (p.Lys30932fs)

Genes: TTN (titin; minus strand), TTN-AS1 (TTN antisense RNA 1; plus strand). Cytogenetic location: 2q31.2.
Variant type: Deletion.
Coding change: c.92795_92798del on transcript NM_001267550.2 (MANE Select); coding-DNA positions 92795 to 92798, 4 bases deleted (AACA; older notation c.92795_92798delAACA).
Protein change: p.Lys30932fs; shifts the reading frame from lysine 30932.
Molecular consequence: frameshift variant.
Genome position (GRCh38, 1-based): chr2:178,548,828-178,548,831, TGTT deleted on the plus strand (AACA on the coding strand, the reverse complement: TTN is on the minus strand); deleting any 4 consecutive bases within chr2:178,548,828-178,548,833 gives the same sequence; the c. name uses the placement nearest the transcript's 3' end. VCF-style (leftmost placement, unchanged base first): chr2-178548827-CTGTT-C. GRCh37 (hg19) VCF-style: chr2-179413554-CTGTT-C.
Other names: c.87872_87875del, p.Lys29291fs (NM_001256850.1); c.65600_65603del, p.Lys21867fs (NM_003319.4); c.85091_85094del, p.Lys28364fs (NM_133378.4); c.65975_65978del, p.Lys21992fs (NM_133432.3); c.66176_66179del, p.Lys22059fs (NM_133437.4); short protein forms K21992fs, K22059fs, K28364fs, K30932fs, K21867fs, K29291fs.
Identifiers: ClinVar variation 2120159 (VCV002120159.6), dbSNP rs2469143989, ClinGen allele CA2580064639.